The following is an entry in ClinVar:

NM_007194.4(CHEK2):c.445-18_445-4del

Gene: CHEK2 (checkpoint kinase 2; minus strand). Cytogenetic location: 22q12.1.
Variant type: Deletion.
Coding change: c.445-18_445-4del on transcript NM_007194.4 (MANE Select); 18 bases into the intron before coding-DNA position 445 through 4 bases into the intron before coding-DNA position 445, 15 bases deleted (AAATGTTCTCTATTT).
Molecular consequence: intron variant.
Genome position (GRCh38, 1-based): chr22:28,725,128-28,725,142, AAATAGAGAACATTT deleted on the plus strand (AAATGTTCTCTATTT on the coding strand, the reverse complement: CHEK2 is on the minus strand). VCF-style (leftmost placement, unchanged base first): chr22-28725127-AAAATAGAGAACATTT-A. GRCh37 (hg19) VCF-style: chr22-29121115-AAAATAGAGAACATTT-A.
Other names: c.-219-18_-219-4del (NM_001437942.1); c.444+101_444+115del (NM_001349956.3); c.445-18_445-4del (NM_145862.3); c.-333-18_-333-4del (NM_001257387.3); c.538-18_538-4del (NM_001438295.1, NM_001438293.1); c.574-18_574-4del (NM_001438294.1, NM_001005735.3).
Identifiers: ClinVar variation 5034541 (VCV005034541.1).

ClinVar aggregate classification (germline): Uncertain significance (1 of 4 stars; one submission).

Conditions:
Hereditary cancer-predisposing syndrome. Also called: Hereditary Cancer Syndrome; Neoplastic Syndromes, Hereditary; Tumor predisposition; Hereditary neoplastic syndrome. Identifiers: Orphanet 140162, MedGen C0027672, MeSH D009386, MONDO:0015356.

Submission:

Ambry Genetics
Classification: Uncertain significance for Hereditary cancer-predisposing syndrome. Last evaluated: 2026-06-18. Review status: criteria provided, single submitter. Criteria: Ambry Variant Classification Scheme 2023. Collection method: clinical testing. Allele origin: germline.
Comment: The c.445-18_445-4del15 intronic variant, located in intron 2 of the CHEK2 gene, results from a deletion of 15 nucleotides within intron 2 of the CHEK2 gene. This nucleotide region is generally well conserved in available vertebrate species. In silico splice site analysis predicts that this alteration will weaken the native splice acceptor site. Based on the available evidence, the clinical significance of this variant remains unclear.